The following is an entry in ClinVar:

NM_018662.3(DISC1):c.42C>T (p.Gly14=)

Genes: DISC1 (DISC1 scaffold protein; plus strand), TSNAX-DISC1 (TSNAX-DISC1 readthrough (NMD candidate); plus strand), LOC129932771 (ATAC-STARR-seq lymphoblastoid silent region 1954; plus strand). Cytogenetic location: 1q42.2.
Variant type: single nucleotide variant.
Coding change: c.42C>T on transcript NM_018662.3 (MANE Select); coding-DNA position 42, C replaced by T.
Protein change: p.Gly14=; no amino-acid change (glycine 14 retained).
Molecular consequence: synonymous variant.
Genome position (GRCh38, 1-based): chr1:231,626,909, C>T. VCF-style: chr1-231626909-C-T. GRCh37 (hg19) VCF-style: chr1-231762655-C-T.
Other names: c.42C>T, p.Gly14= (NM_001012957.2, NM_001012958.2, NM_001012959.2 and 19 more transcripts).
Identifiers: ClinVar variation 3049350 (VCV003049350.2), dbSNP rs566458514, ClinGen allele CA1453508.

ClinVar aggregate classification (germline): Likely benign (0 of 4 stars; one submission).

Conditions:
DISC1-related disorder. Also called: DISC1-related condition.

Allele frequency attached by ClinVar (database versions not stated): 1000 Genomes Project 0.00020; ExAC 0.00021; gnomAD 0.00038; 1000 Genomes Project 30x 0.00047.
gnomAD v4.1: 872 of 1,502,286 alleles (0.058%); highest among the groups gnomAD compares: Non-Finnish European, 0.067%; no homozygotes.

Submission:

PreventionGenetics, part of Exact Sciences
Classification: Likely benign for DISC1-related condition. Last evaluated: 2021-01-04. Review status: no assertion criteria provided. Collection method: clinical testing. Allele origin: germline.
Comment: This variant is classified as likely benign based on ACMG/AMP sequence variant interpretation guidelines (Richards et al. 2015 PMID: 25741868, with internal and published modifications).